The following is an entry in ClinVar:

NM_004462.5(FDFT1):c.318A>G (p.Gln106=)

Gene: FDFT1 (farnesyl-diphosphate farnesyltransferase 1). Cytogenetic location: 8p23.1.
Variant type: single nucleotide variant.
Coding change: c.318A>G on transcript NM_004462.5 (MANE Select); coding-DNA position 318, A replaced by G.
Protein change: p.Gln106=; no amino-acid change (glutamine 106 retained).
Molecular consequence: synonymous variant. On other transcripts: intron variant (1).
Genome position (GRCh38, 1-based): chr8:11,809,787, A>G. VCF-style: chr8-11809787-A-G. GRCh37 (hg19) VCF-style: chr8-11667296-A-G.
Other names: c.318A>G, p.Gln106= (NM_001287742.2, NM_001287743.2); c.126A>G, p.Gln42= (NM_001287744.2, NM_001287745.2, NM_001287747.2 and 2 more transcripts); c.495A>G, p.Gln165= (NM_001287750.2); c.63A>G, p.Gln21= (NM_001287751.2); c.64+6877A>G (NM_001287756.2).
Identifiers: ClinVar variation 5019249 (VCV005019249.2).
Genomic context (GRCh38, chr8:11,809,787, plus strand): 5'-GACCATCAGTGTGGAAAAGAAGGTCCCGCTGTTACACAACTTTCACTCTTTCCTTTACCA[A>G]CCAGACTGGCGGTTCATGGAGAGCAAGGAGAAGGATCGCCAGGTGCTGGAGGACTTCCCA-3'
Protein context (NP_004453.3, residues 96-116): LLHNFHSFLY[Gln106=]PDWRFMESKE

ClinVar aggregate classification (germline): Uncertain significance (1 of 4 stars; one submission).

Conditions:
Squalene synthase deficiency. Also called: NEURODEVELOPMENTAL DISORDER WITH LOW CHOLESTEROL AND ABNORMAL URINE ORGANIC ACIDS. Identifiers: MedGen C4748427, MONDO:0032566, OMIM 618156.

gnomAD v4.1: 68 of 1,614,094 alleles (0.0042%); highest among the groups gnomAD compares: East Asian, 0.13%; no homozygotes.

Submission:

Juno Genomics, Hangzhou Juno Genomics, Inc
Classification: Uncertain significance for Squalene synthase deficiency. Review status: criteria provided, single submitter. Criteria: ACMG Guidelines, 2015. Collection method: clinical testing. Allele origin: germline.
Comment: Absent from controls (or at extremely low frequency if recessive) in Genome Aggregation Database.;Multiple lines of computational evidence support a deleterious effect on the gene or gene product.